The following is an entry in ClinVar:

NM_006031.6(PCNT):c.9527A>T (p.His3176Leu)

Gene: PCNT (pericentrin; plus strand). Cytogenetic location: 21q22.3.
Variant type: single nucleotide variant.
Coding change: c.9527A>T on transcript NM_006031.6 (MANE Select); coding-DNA position 9527, A replaced by T.
Protein change: p.His3176Leu; replaces histidine 3176 with leucine.
Molecular consequence: missense variant.
Genome position (GRCh38, 1-based): chr21:46,440,988, A>T. VCF-style: chr21-46440988-A-T. GRCh37 (hg19) VCF-style: chr21-47860901-A-T.
Other names: c.8936A>T, p.His2979Leu (NM_001315529.2); short protein forms H3176L, H2979L.
Identifiers: ClinVar variation 4996826 (VCV004996826.1).

ClinVar aggregate classification (germline): Uncertain significance (1 of 4 stars; one submission).

Conditions:
PCNT-related disorder. Also called: PCNT-related condition.

Submission:

PreventionGenetics, part of Exact Sciences
Classification: Uncertain significance for PCNT-related condition. Last evaluated: 2024-12-03. Review status: criteria provided, single submitter. Criteria: ACMG Guidelines, 2015. Collection method: clinical testing. Allele origin: germline.
Comment: The PCNT c.9527A>T variant is predicted to result in the amino acid substitution p.His3176Leu. To our knowledge, this variant has not been reported in the literature or in a large population database (gnomAD), indicating this variant is rare. At this time, the clinical significance of this variant is uncertain due to the absence of conclusive functional and genetic evidence.